The following is an entry in ClinVar:

ClinVar aggregate classification (germline): Likely benign (1 of 4 stars; one submission).

Submission:

CeGaT Center for Human Genetics Tuebingen
Classification: Likely benign. Last evaluated: 2023-01-01. Review status: criteria provided, single submitter. Criteria: CeGaT Center For Human Genetics Tuebingen Variant Classification Criteria Version 2. Collection method: clinical testing. Allele origin: germline. Affected: yes. Observed: 1 variant allele.
Comment: EIF4G1: PM2:Supporting, BP4, BP7

NM_198241.3(EIF4G1):c.3387G>T (p.Ala1129=)

Gene: EIF4G1 (eukaryotic translation initiation factor 4 gamma 1; plus strand). Cytogenetic location: 3q27.1.
Variant type: single nucleotide variant.
Coding change: c.3387G>T on transcript NM_198241.3 (MANE Select); coding-DNA position 3387, G replaced by T.
Protein change: p.Ala1129=; no amino-acid change (alanine 1129 retained).
Molecular consequence: synonymous variant.
Genome position (GRCh38, 1-based): chr3:184,326,942, G>T. VCF-style: chr3-184326942-G-T. GRCh37 (hg19) VCF-style: chr3-184044730-G-T.
Other names: c.3408G>T, p.Ala1136= (NM_001194946.2, NM_001194947.2); c.3267G>T, p.Ala1089= (NM_001291157.2); c.2802G>T, p.Ala934= (NM_004953.5); c.3390G>T, p.Ala1130= (NM_182917.4); c.2895G>T, p.Ala965= (NM_198242.3); c.3126G>T, p.Ala1042= (NM_198244.3).
Identifiers: ClinVar variation 2654316 (VCV002654316.24), dbSNP rs765058877, ClinGen allele CA437162121.